The following is an entry in ClinVar:

NM_000059.4(BRCA2):c.2030C>T (p.Ser677Phe)

Gene: BRCA2 (BRCA2 DNA repair associated; plus strand). Cytogenetic location: 13q13.1.
Variant type: single nucleotide variant.
Coding change: c.2030C>T on transcript NM_000059.4 (MANE Select); coding-DNA position 2030, C replaced by T.
Protein change: p.Ser677Phe; replaces serine 677 with phenylalanine.
Molecular consequence: missense variant.
Genome position (GRCh38, 1-based): chr13:32,336,385, C>T. VCF-style: chr13-32336385-C-T. GRCh37 (hg19) VCF-style: chr13-32910522-C-T.
Other names: short protein forms S677F.
Identifiers: ClinVar variation 480883 (VCV000480883.8), dbSNP rs1555282410, ClinGen allele CA387768877.

ClinVar aggregate classification (germline): Conflicting classifications of pathogenicity. Review status: criteria provided, conflicting classifications (1 of 4 stars). 3 submissions from 3 submitters: Uncertain significance (2); Likely benign (1). Last evaluated 2025-08-11.

Conditions:
Hereditary cancer-predisposing syndrome. Also called: Hereditary Cancer Syndrome; Neoplastic Syndromes, Hereditary; Tumor predisposition; Hereditary neoplastic syndrome. Identifiers: Orphanet 140162, MedGen C0027672, MeSH D009386, MONDO:0015356.
Hereditary breast ovarian cancer syndrome. Also called: Hereditary breast and ovarian cancer syndrome; Hereditary breast and ovarian cancer; Hereditary breast and ovarian cancer syndrome (HBOC); Breast and ovarian cancer; Hereditary breast and/or ovarian cancer syndrome; BRCA1- and BRCA2-Associated Hereditary Breast and Ovarian Cancer. Identifiers: Orphanet 145, MedGen C0677776, MeSH D061325, MONDO:0003582. Disease mechanism: loss of function.

Submissions (3):

Labcorp Genetics (formerly Invitae), Labcorp
Classification: Uncertain significance for Hereditary breast ovarian cancer syndrome. Last evaluated: 2025-08-11. Review status: criteria provided, single submitter. Criteria: Invitae Variant Classification Sherloc (09022015). Collection method: clinical testing. Allele origin: germline.
Comment: This sequence change replaces serine, which is neutral and polar, with phenylalanine, which is neutral and non-polar, at codon 677 of the BRCA2 protein (p.Ser677Phe). This variant is not present in population databases (gnomAD no frequency). This variant has not been reported in the literature in individuals affected with BRCA2-related conditions. ClinVar contains an entry for this variant (Variation ID: 480883). Invitae Evidence Modeling of protein sequence and biophysical properties (such as structural, functional, and spatial information, amino acid conservation, physicochemical variation, residue mobility, and thermodynamic stability) indicates that this missense variant is not expected to disrupt BRCA2 protein function with a negative predictive value of 95%. In summary, the available evidence is currently insufficient to determine the role of this variant in disease. Therefore, it has been classified as a Variant of Uncertain Significance.

University of Washington Department of Laboratory Medicine, University of Washington
Classification: Likely benign for Hereditary cancer-predisposing syndrome. Last evaluated: 2023-03-23. Review status: criteria provided, single submitter. Criteria: Dines et al. (Genet Med. 2020). Collection method: curation. Allele origin: germline.
Comment: Missense variant in a coldspot region where missense variants are very unlikely to be pathogenic (PMID:31911673).

BRCA2 exon 11 coldspot. Reclassification based on statistical prior probability.

Ambry Genetics
Classification: Uncertain significance for Hereditary cancer-predisposing syndrome. Last evaluated: 2017-08-24. Review status: criteria provided, single submitter. Criteria: Ambry Variant Classification Scheme 2023. Collection method: clinical testing. Allele origin: germline.
Comment: The p.S677F variant (also known as c.2030C>T), located in coding exon 10 of the BRCA2 gene, results from a C to T substitution at nucleotide position 2030. The serine at codon 677 is replaced by phenylalanine, an amino acid with highly dissimilar properties. This amino acid position is poorly conserved in available vertebrate species. In addition, this alteration is predicted to be tolerated by in silico analysis. Since supporting evidence is limited at this time, the clinical significance of this alteration remains unclear.